The following is an entry in ClinVar:

NM_001257180.2(SLC20A2):c.458T>A (p.Leu153Ter)

Gene: SLC20A2 (solute carrier family 20 member 2; minus strand). Cytogenetic location: 8p11.21.
Variant type: single nucleotide variant.
Coding change: c.458T>A on transcript NM_001257180.2 (MANE Select); coding-DNA position 458, T replaced by A.
Protein change: p.Leu153Ter; replaces leucine 153 with a stop codon.
Molecular consequence: nonsense.
Genome position (GRCh38, 1-based): chr8:42,463,063, A>T on the plus strand (T>A on the coding strand, the complement: SLC20A2 is on the minus strand). VCF-style: chr8-42463063-A-T. GRCh37 (hg19) VCF-style: chr8-42320581-A-T.
Other names: c.458T>A, p.Leu153Ter (NM_001257181.2, NM_006749.5); short protein forms L153*.
Identifiers: ClinVar variation 816984 (VCV000816984.1), dbSNP rs1586110761, ClinGen allele CA371086424.

ClinVar aggregate classification (germline): Likely pathogenic (1 of 4 stars; one submission).

Submission:

GeneDx
Classification: Likely pathogenic. Last evaluated: 2019-03-07. Review status: criteria provided, single submitter. Criteria: GeneDx Variant Classification (06012015). Collection method: clinical testing. Allele origin: germline. Affected: yes.
Comment: The L153X variant in the SLC20A2 gene has not been reported previously as a pathogenic variant nor as a benign variant, to our knowledge. This variant is predicted to cause loss of normal protein function either through protein truncation or nonsense-mediated mRNA decay. The L153X variant is not observed in large population cohorts (Lek et al., 2016). We interpret L153X as a likely pathogenic variant.